The following is an entry in ClinVar:

ClinVar aggregate classification (germline): Uncertain significance (1 of 4 stars; one submission).

Conditions:
Developmental delay and seizures with or without movement abnormalities. Identifiers: MedGen C4693376, MONDO:0044326, OMIM 617836.

gnomAD v4.1: 2 of 151,580 alleles (0.0013%); highest among the groups gnomAD compares: Admixed American, 0.0066%; no homozygotes.

Submission:

Laboratory of Functional Genomics, Research Centre for Medical Genetics
Classification: Uncertain significance for Developmental delay and seizures with or without movement abnormalities. Last evaluated: 2025-06-26. Review status: criteria provided, single submitter. Criteria: ACMG Guidelines, 2015. Collection method: clinical testing. Allele origin: unknown. Inheritance: Autosomal recessive inheritance. Affected: yes. Observed: 1 variant allele, 1 compound heterozygote.
Comment: To assess the impact of the c.1672-233G>A variant on DHTKD1 mRNA structure, RT-PCR analysis was performed on RNA extracted from the proband's skin fibroblasts, followed by deep sequencing of the resulting PCR products. The analysis revealed only the reference mRNA isoform of DHTKD1, indicating that the c.1672-233G>A variant does not affect mRNA structure.

NM_018706.7(DHTKD1):c.1672-233G>A

Gene: DHTKD1 (dehydrogenase E1 and transketolase domain containing 1; plus strand). Cytogenetic location: 10p14.
Variant type: single nucleotide variant.
Coding change: c.1672-233G>A on transcript NM_018706.7 (MANE Select); 233 bases into the intron before coding-DNA position 1672, G replaced by A.
Molecular consequence: intron variant.
Genome position (GRCh38, 1-based): chr10:12,099,945, G>A. VCF-style: chr10-12099945-G-A. GRCh37 (hg19) VCF-style: chr10-12141944-G-A.
Other names: chr10:12099945G>A.
Identifiers: ClinVar variation 4849519 (VCV004849519.1).
Genomic context (GRCh38, chr10:12,099,945, plus strand): 5'-CTCTCAGGTTCCAGTGACTCCCTGCCTCAGCTTCCTGAGTAGCTGGTATCATAGAGACAC[G>A]CCACCAGGCCTAGCTAATTTTTGTATTTTTAGTAGAGATGGAGTTTCACCATGTTGTCCA-3'